The following is an entry in ClinVar:

NM_001519.4(BRF1):c.1772+336T>G

Gene: BRF1 (BRF1 general transcription factor IIIB subunit; minus strand). Cytogenetic location: 14q32.33.
Variant type: single nucleotide variant.
Coding change: c.1772+336T>G on transcript NM_001519.4 (MANE Select); 336 bases into the intron after coding-DNA position 1772, T replaced by G.
Molecular consequence: intron variant.
Genome position (GRCh38, 1-based): chr14:105,217,208, A>C on the plus strand (T>G on the coding strand, the complement: BRF1 is on the minus strand). VCF-style: chr14-105217208-A-C. GRCh37 (hg19) VCF-style: chr14-105683545-A-C.
Other names: c.1427+336T>G (NM_001242787.2); c.1493+336T>G (NM_001242786.2); c.1691+336T>G (NM_001242788.2); c.1058+336T>G (NM_001242789.2); c.1160+336T>G (NM_145685.3).
Identifiers: ClinVar variation 2644905 (VCV002644905.24), dbSNP rs587622880, ClinGen allele CA266550582.
Genomic context (GRCh38, chr14:105,217,208, plus strand): 5'-CCCATCACCTCAGCAGAGACGGCAATGCAGCCAGGGTGCGCAGAGCAGGCACAGGGCGGC[A>C]GGGCTGGGGACTCTTCTTCCCGAACCCAGGCTGGAGAAGGCACCGACCCCACGGATTGTC-3'

ClinVar aggregate classification (germline): Benign (1 of 4 stars; one submission).

Allele frequency attached by ClinVar (database versions not stated): 1000 Genomes Project 0.00419; 1000 Genomes Project 30x 0.00437; TOPMed 0.00483; gnomAD 0.00632; gnomAD exomes 0.00763.
gnomAD v4.1: 3,140 of 440,476 alleles (0.71%); highest among the groups gnomAD compares: South Asian, 1.5%; 25 homozygotes.

Submission:

CeGaT Center for Human Genetics Tuebingen
Classification: Benign. Last evaluated: 2023-03-01. Review status: criteria provided, single submitter. Criteria: CeGaT Center For Human Genetics Tuebingen Variant Classification Criteria Version 2. Collection method: clinical testing. Allele origin: germline. Affected: yes. Observed: 4 variant alleles.
Comment: BRF1: BS1, BS2